The following is an entry in ClinVar:

NM_000179.3(MSH6):c.2700T>C (p.Gly900=)

Gene: MSH6 (mutS homolog 6; plus strand). Cytogenetic location: 2p16.3.
Variant type: single nucleotide variant.
Coding change: c.2700T>C on transcript NM_000179.3 (MANE Select); coding-DNA position 2700, T replaced by C.
Protein change: p.Gly900=; no amino-acid change (glycine 900 retained).
Molecular consequence: synonymous variant.
Genome position (GRCh38, 1-based): chr2:47,800,683, T>C. VCF-style: chr2-47800683-T-C. GRCh37 (hg19) VCF-style: chr2-48027822-T-C.
Other names: c.2310T>C, p.Gly770= (NM_001281492.2); c.1794T>C, p.Gly598= (NM_001281493.2, NM_001281494.2).
Identifiers: ClinVar variation 381130 (VCV000381130.3), dbSNP rs1042816, ClinGen allele CA16604593.

ClinVar aggregate classification (germline): Likely benign. Review status: criteria provided, multiple submitters, no conflicts (2 of 4 stars). 2 submissions from 2 submitters: Likely benign (2). Last evaluated 2021-09-05.

Conditions:
Hereditary cancer-predisposing syndrome. Also called: Tumor predisposition; Hereditary neoplastic syndrome; Neoplastic Syndromes, Hereditary; Hereditary Cancer Syndrome. Identifiers: Orphanet 140162, MedGen C0027672, MeSH D009386, MONDO:0015356.

gnomAD v4.1: 1 of 1,614,130 alleles (0.000062%); no homozygotes.

Submissions (2):

Ambry Genetics
Classification: Likely benign for Hereditary cancer-predisposing syndrome. Last evaluated: 2021-09-05. Review status: criteria provided, single submitter. Criteria: Ambry Variant Classification Scheme 2023. Collection method: clinical testing. Allele origin: germline.

GeneDx
Classification: Likely benign. Last evaluated: 2015-10-17. Review status: criteria provided, single submitter. Criteria: GeneDx Variant Classification (06012015). Collection method: clinical testing. Allele origin: germline. Affected: yes.
Comment: This variant is considered likely benign or benign based on one or more of the following criteria: it is a conservative change, it occurs at a poorly conserved position in the protein, it is predicted to be benign by multiple in silico algorithms, and/or has population frequency not consistent with disease.